The following is an entry in ClinVar:

ClinVar aggregate classification (germline): Pathogenic/Likely pathogenic. Review status: criteria provided, multiple submitters, no conflicts (2 of 4 stars). 10 submissions from 10 submitters: Pathogenic (6); Likely pathogenic (3). 1 of the submissions does not count toward it. Last evaluated 2025-10-14.

Conditions:
Propionic acidemia (PROP). Also called: GLYCINEMIA, KETOTIC; HYPERGLYCINEMIA WITH KETOACIDOSIS AND LEUKOPENIA; KETOTIC HYPERGLYCINEMIA. Identifiers: Orphanet 35, MedGen C0268579, MONDO:0011628, OMIM 606054, HP:0003571.

Allele frequency attached by ClinVar (database versions not stated): gnomAD below 0.00001 and 0.00001; gnomAD exomes 0.00001 and 0.00002; ExAC 0.00002; TOPMed 0.00003; ESP Exome Variant Server 0.00008.
gnomAD v4.1: 10 of 1,613,330 alleles (0.00062%); highest among the groups gnomAD compares: South Asian, 0.0077%; no homozygotes.

Submissions (10):

Natera, Inc.
Classification: Likely pathogenic for Propionic acidemia. Last evaluated: 2025-10-14. Review status: criteria provided, single submitter. Criteria: Natera Variant Classification Schema (03/2026). Collection method: clinical testing. Allele origin: germline.
Comment: The c.2040G>A variant in PCCA is a synonymous variant that does not alter the encoded amino acid at position 680 (p.A680=). This variant is rare in the general population with a frequency below the threshold expected for the associated phenotype(s). This variant has been observed in one or more individuals affected with the associated recessive disease, as either homozygous or compound heterozygous with a second variant (PMID: 27227689, 37689673). Functional studies show that this variant may disrupt protein function (PMID: 33923806). Computational prediction algorithms indicate this variant is likely to affect gene or protein function. Given the available evidence, this variant is classified as Likely Pathogenic.

Labcorp Genetics (formerly Invitae), Labcorp
Classification: Pathogenic for Propionic acidemia. Last evaluated: 2025-02-18. Review status: criteria provided, single submitter. Criteria: Invitae Variant Classification Sherloc (09022015). Collection method: clinical testing. Allele origin: germline.
Comment: This sequence change affects codon 680 of the PCCA mRNA. It is a 'silent' change, meaning that it does not change the encoded amino acid sequence of the PCCA protein. RNA analysis indicates that this variant induces altered splicing and likely results in a shortened protein product. This variant is present in population databases (rs369982920, gnomAD 0.01%). This variant has been observed in individual(s) with propionic acidemia (PMID: 27227689). ClinVar contains an entry for this variant (Variation ID: 218256). Variants that disrupt the consensus splice site are a relatively common cause of aberrant splicing (PMID: 17576681, 9536098). Studies have shown that this variant results in skipping of 22, but is expected to preserve the integrity of the reading-frame (PMID: 33923806). This variant disrupts a region of the PCCA protein in which other variant(s) (p.Gly668Arg) have been determined to be pathogenic (PMID: 10329019, 12385775, 19099776, 27227689, 29978829). This suggests that this is a clinically significant region of the protein, and that variants that disrupt it are likely to be disease-causing. For these reasons, this variant has been classified as Pathogenic.

Fulgent Genetics
Classification: Likely pathogenic for Propionic acidemia. Last evaluated: 2024-04-24. Review status: criteria provided, single submitter. Criteria: ACMG Guidelines, 2015. Collection method: clinical testing. Allele origin: germline.

Baylor Genetics
Classification: Pathogenic for Propionic acidemia. Last evaluated: 2024-02-05. Review status: criteria provided, single submitter. Criteria: ACMG Guidelines, 2015. Collection method: clinical testing. Allele origin: unknown.

Department of Pathology and Laboratory Medicine, Sinai Health System
Classification: Likely pathogenic for Propionic acidemia. Last evaluated: 2022-09-22. Review status: criteria provided, single submitter. Criteria: ACMG Guidelines, 2015. Collection method: research. Allele origin: germline.

Laboratoire de Génétique Moléculaire, CHU Bordeaux
Classification: Pathogenic for Propionic acidemia. Last evaluated: 2021-06-15. Review status: criteria provided, single submitter. Criteria: ACMG Guidelines, 2015. Collection method: clinical testing. Allele origin: germline. Affected: yes.

Centre for Inherited Metabolic Diseases, Karolinska University Hospital
Classification: Pathogenic for Propionic acidemia. Last evaluated: 2021-03-16. Review status: criteria provided, single submitter. Criteria: ACMG Guidelines, 2015. Collection method: clinical testing. Allele origin: germline. Inheritance: Autosomal recessive inheritance. Affected: yes. Observed: 1 homozygote.

Laboratory of Inherited Metabolic Diseases, Research centre for medical genetics
Classification: Pathogenic for Propionic acidemia. Last evaluated: 2021-02-17. Review status: criteria provided, single submitter. Criteria: ACMG Guidelines, 2015. Collection method: research, in vitro. Allele origin: germline, not applicable. Affected: yes.
Comment: PS3, PM2, PM3_supportive, PP3, PP4

Institute of Medical Genetics and Genomics, Sir Ganga Ram Hospital
Classification: Pathogenic for Propionic Acidemia. Last evaluated: 2012-01-01. Review status: criteria provided, single submitter. Criteria: Gupta et al. (Genet Test Mol Biomarkers 2016). Collection method: research. Allele origin: germline. Affected: yes. Observed: 1 variant allele. Study: ORGANIC ACIDURIAS.
Comment: Synonymous change

Counsyl
Classification: Uncertain significance for Propionic acidemia. Last evaluated: 2018-03-27. Review status: no assertion criteria provided. Collection method: clinical testing. Allele origin: unknown. Not counted in ClinVar's aggregate classification.

Literature cited by the submitters: PubMed 27227689 (cited by 3 submitters); PubMed 37689673 (cited by Natera, Inc.); PubMed 33923806 (cited by Natera, Inc. and Labcorp Genetics (formerly Invitae), Labcorp); PubMed 17576681 (cited by Labcorp Genetics (formerly Invitae), Labcorp); PubMed 9536098 (cited by Labcorp Genetics (formerly Invitae), Labcorp); PubMed 10329019 (cited by Labcorp Genetics (formerly Invitae), Labcorp); PubMed 12385775 (cited by Labcorp Genetics (formerly Invitae), Labcorp); PubMed 19099776 (cited by Labcorp Genetics (formerly Invitae), Labcorp); PubMed 29978829 (cited by Labcorp Genetics (formerly Invitae), Labcorp).

NM_000282.4(PCCA):c.2040G>A (p.Ala680=)

Gene: PCCA (propionyl-CoA carboxylase subunit alpha; plus strand). Cytogenetic location: 13q32.3.
Variant type: single nucleotide variant.
Coding change: c.2040G>A on transcript NM_000282.4 (MANE Select); coding-DNA position 2040, G replaced by A.
Protein change: p.Ala680=; no amino-acid change (alanine 680 retained).
Molecular consequence: synonymous variant. On other transcripts: non-coding transcript variant (4), intron variant (2).
Genome position (GRCh38, 1-based): chr13:100,515,567, G>A. VCF-style: chr13-100515567-G-A. GRCh37 (hg19) VCF-style: chr13-101167821-G-A.
Other names: c.1962G>A, p.Ala654= (NM_001127692.3); c.1986G>A, p.Ala662= (NM_001352605.2); c.1896G>A, p.Ala632= (NM_001352606.2); c.1818G>A, p.Ala606= (NM_001352608.2); c.1095G>A, p.Ala365= (NM_001352610.2); c.1041G>A, p.Ala347= (NM_001352611.2); c.951G>A, p.Ala317= (NM_001352612.2); c.1900-12108G>A (NM_001178004.2); and 1 more.
Identifiers: ClinVar variation 218256 (VCV000218256.18), dbSNP rs369982920, ClinGen allele CA7033876.